The following is an entry in ClinVar:

ClinVar aggregate classification (germline): Pathogenic (1 of 4 stars; one submission).

Conditions:
Long QT syndrome (LQTS). Identifiers: MedGen C0023976, MeSH D008133, MONDO:0002442. Disease mechanism: loss of function. Inheritance: Various modes of inheritance.

Submission:

Labcorp Genetics (formerly Invitae), Labcorp
Classification: Pathogenic for Long QT syndrome. Last evaluated: 2023-12-23. Review status: criteria provided, single submitter. Criteria: Invitae Variant Classification Sherloc (09022015). Collection method: clinical testing. Allele origin: germline.
Comment: This sequence change creates a premature translational stop signal (p.Ile375Phefs*44) in the KCNQ1 gene. It is expected to result in an absent or disrupted protein product. Loss-of-function variants in KCNQ1 are known to be pathogenic (PMID: 9323054, 19862833). This variant is not present in population databases (gnomAD no frequency). This variant has not been reported in the literature in individuals affected with KCNQ1-related conditions. For these reasons, this variant has been classified as Pathogenic.

Literature cited by the submitters: PubMed 9323054; PubMed 19862833.

NM_000218.3(KCNQ1):c.1122del (p.Ile375fs)

Gene: KCNQ1 (potassium voltage-gated channel subfamily Q member 1; plus strand). Cytogenetic location: 11p15.5.
Variant type: Deletion.
Coding change: c.1122del on transcript NM_000218.3 (MANE Select); coding-DNA position 1122, one base deleted (C; older notation c.1122delC).
Protein change: p.Ile375fs; shifts the reading frame from isoleucine 375.
Molecular consequence: frameshift variant. On other transcripts: intron variant (2).
Genome position (GRCh38, 1-based): chr11:2,585,301, C deleted. VCF-style (leftmost placement, unchanged base first): chr11-2585300-TC-T. GRCh37 (hg19) VCF-style: chr11-2606530-TC-T.
Other names: c.852del, p.Ile285fs (NM_001406837.1); c.741del, p.Ile248fs (NM_181798.2); c.1032+1756del (NM_001406836.1); c.588+1756del (NM_001406838.1); short protein forms I248fs, I375fs, I285fs.
Identifiers: ClinVar variation 2692770 (VCV002692770.3), dbSNP rs2493701017, ClinGen allele CA2697558961.